The following is an entry in ClinVar:

NM_001378609.3(OTOGL):c.5407+2T>C

Gene: OTOGL (otogelin like; plus strand). Cytogenetic location: 12q21.31.
Variant type: single nucleotide variant.
Coding change: c.5407+2T>C on transcript NM_001378609.3 (MANE Select); the canonical splice donor site of the intron after coding-DNA position 5407, T replaced by C.
Molecular consequence: splice donor variant.
Genome position (GRCh38, 1-based): chr12:80,352,438, T>C. VCF-style: chr12-80352438-T-C. GRCh37 (hg19) VCF-style: chr12-80746218-T-C.
Other names: c.5272+2T>C (NM_001368062.3); c.5407+2T>C (NM_001378610.3, NM_173591.7).
Identifiers: ClinVar variation 5005171 (VCV005005171.2).

ClinVar aggregate classification (germline): Likely pathogenic (1 of 4 stars; one submission).

Conditions:
Autosomal recessive nonsyndromic hearing loss 84B. Also called: Deafness, autosomal recessive 84b. Identifiers: Orphanet 90636, MedGen C3554159, MONDO:0013984, OMIM 614944.

Submission:

Juno Genomics, Hangzhou Juno Genomics, Inc
Classification: Likely pathogenic for Autosomal recessive nonsyndromic hearing loss 84B. Review status: criteria provided, single submitter. Criteria: ACMG Guidelines, 2015. Collection method: clinical testing. Allele origin: germline.
Comment: Null variant in a gene where loss of function (LOF) is a known mechanism of disease.;Absent from controls (or at extremely low frequency if recessive) in Genome Aggregation Database.